The following is an entry in ClinVar:

ClinVar aggregate classification (germline): Uncertain significance (1 of 4 stars; one submission).

Allele frequency attached by ClinVar (database versions not stated): gnomAD exomes below 0.00001 and 0.00001; TOPMed 0.00003.
gnomAD v4.1: 20 of 1,613,826 alleles (0.0012%); highest among the groups gnomAD compares: Non-Finnish European, 0.0016%; no homozygotes.

Submission:

Labcorp Genetics (formerly Invitae), Labcorp
Classification: Uncertain significance. Last evaluated: 2021-08-19. Review status: criteria provided, single submitter. Criteria: Invitae Variant Classification Sherloc (09022015). Collection method: clinical testing. Allele origin: germline.
Comment: In summary, the available evidence is currently insufficient to determine the role of this variant in disease. Therefore, it has been classified as a Variant of Uncertain Significance. Algorithms developed to predict the effect of missense changes on protein structure and function are either unavailable or do not agree on the potential impact of this missense change (SIFT: "Tolerated"; PolyPhen-2: "Not Available"; Align-GVGD: "Class C0"). This variant has not been reported in the literature in individuals affected with PCLO-related conditions. This variant is not present in population databases (ExAC no frequency). This sequence change replaces threonine with alanine at codon 3331 of the PCLO protein (p.Thr3331Ala). The threonine residue is moderately conserved and there is a small physicochemical difference between threonine and alanine.

NM_033026.6(PCLO):c.9991A>G (p.Thr3331Ala)

Gene: PCLO (piccolo presynaptic cytomatrix protein; minus strand). Cytogenetic location: 7q21.11.
Variant type: single nucleotide variant.
Coding change: c.9991A>G on transcript NM_033026.6 (MANE Select); coding-DNA position 9991, A replaced by G.
Protein change: p.Thr3331Ala; replaces threonine 3331 with alanine.
Molecular consequence: missense variant.
Genome position (GRCh38, 1-based): chr7:82,950,597, T>C on the plus strand (A>G on the coding strand, the complement: PCLO is on the minus strand). VCF-style: chr7-82950597-T-C. GRCh37 (hg19) VCF-style: chr7-82579913-T-C.
Other names: c.9991A>G, p.Thr3331Ala (NM_014510.3); short protein forms T3331A.
Identifiers: ClinVar variation 1467569 (VCV001467569.6), dbSNP rs1429028520, ClinGen allele CA367905951.